The following is an entry in ClinVar:

NM_002335.4(LRP5):c.622A>G (p.Lys208Glu)

Gene: LRP5 (LDL receptor related protein 5; plus strand). Cytogenetic location: 11q13.2.
Variant type: single nucleotide variant.
Coding change: c.622A>G on transcript NM_002335.4 (MANE Select); coding-DNA position 622, A replaced by G.
Protein change: p.Lys208Glu; replaces lysine 208 with glutamic acid.
Molecular consequence: missense variant. On other transcripts: 5 prime UTR variant (1).
Genome position (GRCh38, 1-based): chr11:68,357,783, A>G. VCF-style: chr11-68357783-A-G. GRCh37 (hg19) VCF-style: chr11-68125251-A-G.
Other names: c.-1144A>G (NM_001291902.2); short protein forms K208E.
Identifiers: ClinVar variation 964225 (VCV000964225.9), dbSNP rs2098624382, ClinGen allele CA381611915.
Genomic context (GRCh38, chr11:68,357,783, plus strand): 5'-ATCATTGTGGACTCGGACATTTACTGGCCCAATGGACTGACCATCGACCTGGAGGAGCAG[A>G]AGCTCTACTGGGCTGACGCCAAGCTCAGCTTCATCCACCGTGCCAACCTGGACGGCTCGT-3'
Protein context (NP_002326.2, residues 198-218): NGLTIDLEEQ[Lys208Glu]LYWADAKLSF

ClinVar aggregate classification (germline): Uncertain significance (1 of 4 stars; one submission).

Submission:

Labcorp Genetics (formerly Invitae), Labcorp
Classification: Uncertain significance. Last evaluated: 2024-06-19. Review status: criteria provided, single submitter. Criteria: Invitae Variant Classification Sherloc (09022015). Collection method: clinical testing. Allele origin: germline.
Comment: This sequence change replaces lysine, which is basic and polar, with glutamic acid, which is acidic and polar, at codon 208 of the LRP5 protein (p.Lys208Glu). This variant is not present in population databases (gnomAD no frequency). This variant has not been reported in the literature in individuals affected with LRP5-related conditions. ClinVar contains an entry for this variant (Variation ID: 964225). Advanced modeling of protein sequence and biophysical properties (such as structural, functional, and spatial information, amino acid conservation, physicochemical variation, residue mobility, and thermodynamic stability) has been performed at Invitae for this missense variant, however the output from this modeling did not meet the statistical confidence thresholds required to predict the impact of this variant on LRP5 protein function. In summary, the available evidence is currently insufficient to determine the role of this variant in disease. Therefore, it has been classified as a Variant of Uncertain Significance.